The following is an entry in ClinVar:

ClinVar aggregate classification (germline): Uncertain significance (1 of 4 stars; one submission).

Conditions:
Catecholaminergic polymorphic ventricular tachycardia 1. Also called: VENTRICULAR TACHYCARDIA, CATECHOLAMINERGIC POLYMORPHIC, 1, WITH OR WITHOUT ATRIAL DYSFUNCTION AND/OR DILATED CARDIOMYOPATHY; VENTRICULAR TACHYCARDIA, STRESS-INDUCED POLYMORPHIC 1; RYR2-Related Catecholaminergic Polymorphic Ventricular Tachycardia. Identifiers: Orphanet 3286, MedGen C1631597, MONDO:0011484, OMIM 604772.

Submission:

Labcorp Genetics (formerly Invitae), Labcorp
Classification: Uncertain significance for Catecholaminergic polymorphic ventricular tachycardia 1. Last evaluated: 2021-10-15. Review status: criteria provided, single submitter. Criteria: Invitae Variant Classification Sherloc (09022015). Collection method: clinical testing. Allele origin: germline.
Comment: This variant is not present in population databases (ExAC no frequency). In summary, the available evidence is currently insufficient to determine the role of this variant in disease. Therefore, it has been classified as a Variant of Uncertain Significance. Advanced modeling of protein sequence and biophysical properties (such as structural, functional, and spatial information, amino acid conservation, physicochemical variation, residue mobility, and thermodynamic stability) performed at Invitae indicates that this missense variant is expected to disrupt RYR2 protein function. This variant has not been reported in the literature in individuals affected with RYR2-related conditions. This sequence change replaces proline with serine at codon 3927 of the RYR2 protein (p.Pro3927Ser). The proline residue is highly conserved and there is a moderate physicochemical difference between proline and serine.

NM_001035.3(RYR2):c.11779C>T (p.Pro3927Ser)

Gene: RYR2 (ryanodine receptor 2; plus strand). Cytogenetic location: 1q43.
Variant type: single nucleotide variant.
Coding change: c.11779C>T on transcript NM_001035.3 (MANE Select); coding-DNA position 11779, C replaced by T.
Protein change: p.Pro3927Ser; replaces proline 3927 with serine.
Molecular consequence: missense variant.
Genome position (GRCh38, 1-based): chr1:237,778,669, C>T. VCF-style: chr1-237778669-C-T. GRCh37 (hg19) VCF-style: chr1-237941969-C-T.
Other names: short protein forms P3927S.
Identifiers: ClinVar variation 1490296 (VCV001490296.7), dbSNP rs2149335295, ClinGen allele CA345408966.
Genomic context (GRCh38, chr1:237,778,669, plus strand): 5'-TTTGTTTTGGCAAATAAATTATGAGGAATAATTGCCGTTTGTCTGTTTATGCTCCAGGGT[C>T]CTTGCACTGGGAATCAACAGAGTTTGGCACACAGCAGGCTGTGGGATGCTGTGGTCGGCT-3'
Protein context (NP_001026.2, residues 3917-3937): FNTLTEYIQG[Pro3927Ser]CTGNQQSLAH